The following is an entry in ClinVar:

NM_006031.6(PCNT):c.6949A>G (p.Thr2317Ala)

Gene: PCNT (pericentrin; plus strand). Cytogenetic location: 21q22.3.
Variant type: single nucleotide variant.
Coding change: c.6949A>G on transcript NM_006031.6 (MANE Select); coding-DNA position 6949, A replaced by G.
Protein change: p.Thr2317Ala; replaces threonine 2317 with alanine.
Molecular consequence: missense variant.
Genome position (GRCh38, 1-based): chr21:46,418,231, A>G. VCF-style: chr21-46418231-A-G. GRCh37 (hg19) VCF-style: chr21-47838145-A-G.
Other names: c.6595A>G, p.Thr2199Ala (NM_001315529.2); short protein forms T2317A, T2199A.
Identifiers: ClinVar variation 3929698 (VCV003929698.2).

ClinVar aggregate classification (germline): Uncertain significance. Review status: criteria provided, multiple submitters, no conflicts (2 of 4 stars). 2 submissions from 2 submitters: Uncertain significance (2). Last evaluated 2026-09-09.

Conditions:
Inborn genetic diseases. Identifiers: MedGen C0950123, MeSH D030342.
PCNT-related disorder. Also called: PCNT-related condition.

gnomAD v4.1: 2 of 1,606,906 alleles (0.00012%); highest among the groups gnomAD compares: South Asian, 0.0022%; no homozygotes.

Submissions (2):

PreventionGenetics, part of Exact Sciences
Classification: Uncertain significance for PCNT-related condition. Last evaluated: 2026-09-09. Review status: criteria provided, single submitter. Criteria: ACMG Guidelines, 2015. Collection method: clinical testing. Allele origin: germline.
Comment: The PCNT c.6949A>G variant is predicted to result in the amino acid substitution p.Thr2317Ala. To our knowledge, this variant has not been reported in the literature or in a large population database (gnomAD), indicating this variant is rare. At this time, the clinical significance of this variant is uncertain due to the absence of conclusive functional and genetic evidence.

Ambry Genetics
Classification: Uncertain significance for Inborn genetic diseases. Last evaluated: 2025-05-01. Review status: criteria provided, single submitter. Criteria: Ambry Variant Classification Scheme 2023. Collection method: clinical testing. Allele origin: germline.